The following is an entry in ClinVar:

ClinVar aggregate classification (germline): Pathogenic (1 of 4 stars; one submission).

Submission:

GeneDx
Classification: Pathogenic. Last evaluated: 2017-11-27. Review status: criteria provided, single submitter. Criteria: GeneDx Variant Classification (06012015). Collection method: clinical testing. Allele origin: germline. Affected: yes.
Comment: The c.1876_1892del17 variant in the ADNP gene has not been reported previously as a pathogenicvariant nor as a benign variant, to our knowledge. The c.1876_1892del17 variant causes a frameshiftstarting with codon Leucine 626, changes this amino acid to a Lysine residue, and creates a prematureStop codon at position 6 of the new reading frame, denoted p.Leu626LysfsX6. This variant ispredicted to cause loss of normal protein function through protein truncation; it causes the deletion ofthe last 477 amino acids and an insertion of five incorrect amino acids. The c.1876_1892del17variant is not observed in large population cohorts (Lek et al., 2016). We interpret c.1876_1892del17as a pathogenic variant

NM_001282531.3(ADNP):c.1876_1892del (p.Leu626fs)

Gene: ADNP (activity dependent neuroprotector homeobox; minus strand). Cytogenetic location: 20q13.13.
Variant type: Deletion.
Coding change: c.1876_1892del on transcript NM_001282531.3 (MANE Select); coding-DNA positions 1876 to 1892, 17 bases deleted (CTTTGCTTTTCAATCCT).
Protein change: p.Leu626fs; shifts the reading frame from leucine 626.
Molecular consequence: frameshift variant.
Genome position (GRCh38, 1-based): chr20:50,892,822-50,892,838, AGGATTGAAAAGCAAAG deleted on the plus strand (CTTTGCTTTTCAATCCT on the coding strand, the reverse complement: ADNP is on the minus strand); deleting any 17 consecutive bases within chr20:50,892,822-50,892,842 gives the same sequence; the c. name uses the placement nearest the transcript's 3' end. VCF-style (leftmost placement, unchanged base first): chr20-50892821-TAGGATTGAAAAGCAAAG-T. GRCh37 (hg19) VCF-style: chr20-49509358-TAGGATTGAAAAGCAAAG-T.
Other names: c.1876_1892del, p.Leu626fs (NM_001282532.2, NM_001347511.2, NM_015339.5 and 1 more transcripts); short protein forms L626fs.
Identifiers: ClinVar variation 503886 (VCV000503886.2), dbSNP rs1555810093, ClinGen allele CA658799379.